The following is an entry in ClinVar:

NM_000426.4(LAMA2):c.9272T>C (p.Leu3091Pro)

Gene: LAMA2 (laminin subunit alpha 2; plus strand). Cytogenetic location: 6q22.33.
Variant type: single nucleotide variant.
Coding change: c.9272T>C on transcript NM_000426.4 (MANE Select); coding-DNA position 9272, T replaced by C.
Protein change: p.Leu3091Pro; replaces leucine 3091 with proline.
Molecular consequence: missense variant.
Genome position (GRCh38, 1-based): chr6:129,516,250, T>C. VCF-style: chr6-129516250-T-C. GRCh37 (hg19) VCF-style: chr6-129837395-T-C.
Other names: c.9260T>C, p.Leu3087Pro (NM_001079823.2); short protein forms L3087P, L3091P.
Identifiers: ClinVar variation 2186690 (VCV002186690.4), dbSNP rs2533608893, ClinGen allele CA365637303.

ClinVar aggregate classification (germline): Uncertain significance (1 of 4 stars; one submission).

Conditions:
LAMA2-related muscular dystrophy (LAMA2-RD). Also called: Laminin alpha 2-related dystrophy. Identifiers: MedGen C5679788, MONDO:0100228.

Allele frequency attached by ClinVar (database versions not stated): gnomAD exomes below 0.00001.
gnomAD v4.1: 1 of 1,614,106 alleles (0.000062%); highest among the groups gnomAD compares: Non-Finnish European, 0.000085%; no homozygotes.

Submission:

Labcorp Genetics (formerly Invitae), Labcorp
Classification: Uncertain significance for LAMA2-related muscular dystrophy. Last evaluated: 2023-10-03. Review status: criteria provided, single submitter. Criteria: Invitae Variant Classification Sherloc (09022015). Collection method: clinical testing. Allele origin: germline.
Comment: This sequence change replaces leucine, which is neutral and non-polar, with proline, which is neutral and non-polar, at codon 3091 of the LAMA2 protein (p.Leu3091Pro). This variant is not present in population databases (gnomAD no frequency). This variant has not been reported in the literature in individuals affected with LAMA2-related conditions. ClinVar contains an entry for this variant (Variation ID: 2186690). Advanced modeling of protein sequence and biophysical properties (such as structural, functional, and spatial information, amino acid conservation, physicochemical variation, residue mobility, and thermodynamic stability) has been performed at Invitae for this missense variant, however the output from this modeling did not meet the statistical confidence thresholds required to predict the impact of this variant on LAMA2 protein function. In summary, the available evidence is currently insufficient to determine the role of this variant in disease. Therefore, it has been classified as a Variant of Uncertain Significance.